The following is an entry in ClinVar:

NM_014846.4(WASHC5):c.2168A>G (p.His723Arg)

Gene: WASHC5 (WASH complex subunit 5; minus strand). Cytogenetic location: 8q24.13.
Variant type: single nucleotide variant.
Coding change: c.2168A>G on transcript NM_014846.4 (MANE Select); coding-DNA position 2168, A replaced by G.
Protein change: p.His723Arg; replaces histidine 723 with arginine.
Molecular consequence: missense variant.
Genome position (GRCh38, 1-based): chr8:125,050,595, T>C on the plus strand (A>G on the coding strand, the complement: WASHC5 is on the minus strand). VCF-style: chr8-125050595-T-C. GRCh37 (hg19) VCF-style: chr8-126062837-T-C.
Other names: c.1724A>G, p.His575Arg (NM_001330609.2); short protein forms H575R, H723R.
Identifiers: ClinVar variation 1338992 (VCV001338992.2), dbSNP rs2130055560, ClinGen allele CA372189559.

ClinVar aggregate classification (germline): Uncertain significance (1 of 4 stars; one submission).

Conditions:
Hereditary spastic paraplegia 8 (SPG8). Also called: SPASTIC PARAPLEGIA 8, AUTOSOMAL DOMINANT. Identifiers: Orphanet 100989, MedGen C1863704, MONDO:0011339, OMIM 603563.

Submission:

Neuberg Centre For Genomic Medicine, NCGM
Classification: Uncertain significance for Hereditary spastic paraplegia 8. Review status: criteria provided, single submitter. Criteria: ACMG Guidelines, 2015. Collection method: clinical testing. Allele origin: germline. Affected: yes.
Comment: The missense variant p.H723R in WASHC5 (NM_014846.4) has not been reported previously as a pathogenic variant nor as a benign variant, to our knowledge. The variant is present in the spectrin repeat domain where previously disease causing mutations have been reported (Lee S et al,2020). The p.H723R variant is novel (not in any individuals) in gnomAD Exomes and is novel (not in any individuals) in 1000 Genomes. The p.H723R missense variant is predicted to be damaging by both SIFT and PolyPhen2. The histidine residue at codon 723 of WASHC5 is conserved in all mammalian species. The nucleotide c.2168 in WASHC5 is predicted conserved by GERP++ and PhyloP across 100 vertebrates. For these reasons,this variant has been classified as Uncertain Significance.